The following is an entry in ClinVar:

NM_001039141.3(TRIOBP):c.3948-2057G>A

Gene: TRIOBP (TRIO and F-actin binding protein; plus strand). Cytogenetic location: 22q13.1.
Variant type: single nucleotide variant.
Coding change: c.3948-2057G>A on transcript NM_001039141.3 (MANE Select); 2057 bases into the intron before coding-DNA position 3948, G replaced by A.
Molecular consequence: intron variant.
Genome position (GRCh38, 1-based): chr22:37,731,241, G>A. VCF-style: chr22-37731241-G-A. GRCh37 (hg19) VCF-style: chr22-38127248-G-A.
Identifiers: ClinVar variation 4851678 (VCV004851678.1).

ClinVar aggregate classification (germline): Uncertain significance (1 of 4 stars; one submission).

gnomAD v4.1: 9 of 151,732 alleles (0.0059%); highest among the groups gnomAD compares: Non-Finnish European, 0.01%; no homozygotes.

Submission:

Greenwood Genetic Center Diagnostic Laboratories, Greenwood Genetic Center
Classification: Uncertain significance. Last evaluated: 2025-02-19. Review status: criteria provided, single submitter. Criteria: ACMG Guidelines, 2015. Collection method: clinical testing. Allele origin: germline.
Comment: PM2, BP4